The following is an entry in ClinVar:

NM_000138.5(FBN1):c.7271_7273del (p.Ser2424del)

Gene: FBN1 (fibrillin 1; minus strand). Cytogenetic location: 15q21.1.
Variant type: Deletion.
Coding change: c.7271_7273del on transcript NM_000138.5 (MANE Select); coding-DNA positions 7271 to 7273, 3 bases deleted (CAT; older notation c.7271_7273delCAT).
Protein change: p.Ser2424del; deletes serine 2424.
Molecular consequence: inframe deletion. On other transcripts: inframe indel (1).
Genome position (GRCh38, 1-based): chr15:48,425,796-48,425,798, ATG deleted on the plus strand (CAT on the coding strand, the reverse complement: FBN1 is on the minus strand); deleting any 3 consecutive bases within chr15:48,425,796-48,425,800 gives the same sequence; the c. name uses the placement nearest the transcript's 3' end. VCF-style (leftmost placement, unchanged base first): chr15-48425795-TATG-T. GRCh37 (hg19) VCF-style: chr15-48717992-TATG-T.
Other names: c.7269_7271delATC, p.Ser2424del (NM_001406716.1); c.7271_7273delCAT (NM_000138.4); short protein forms S2424del.
Identifiers: ClinVar variation 2445814 (VCV002445814.1), dbSNP rs2505408052, ClinGen allele CA2580089631.

ClinVar aggregate classification (germline): Uncertain significance (1 of 4 stars; one submission).

Submission:

Women's Health and Genetics/Laboratory Corporation of America, LabCorp
Classification: Uncertain significance. Last evaluated: 2023-02-13. Review status: criteria provided, single submitter. Criteria: LabCorp Variant Classification Summary - May 2015. Collection method: clinical testing. Allele origin: germline.
Comment: Variant summary: FBN1 c.7271_7273delCAT (p.Ser2424del) results in an in-frame deletion that is predicted to remove one amino acid from the encoded protein. The variant was absent in 251278 control chromosomes. The available data on variant occurrences in the general population are insufficient to allow any conclusion about variant significance. To our knowledge, no occurrence of c.7271_7273delCAT in individuals affected with Marfan Syndrome and no experimental evidence demonstrating its impact on protein function have been reported. No clinical diagnostic laboratories have submitted clinical-significance assessments for this variant to ClinVar after 2014. Based on the evidence outlined above, the variant was classified as uncertain significance.